The following is an entry in ClinVar:

NM_003098.3(SNTA1):c.210G>C (p.Pro70=)

Gene: SNTA1 (syntrophin alpha 1; minus strand). Cytogenetic location: 20q11.21.
Variant type: single nucleotide variant.
Coding change: c.210G>C on transcript NM_003098.3 (MANE Select); coding-DNA position 210, G replaced by C.
Protein change: p.Pro70=; no amino-acid change (proline 70 retained).
Molecular consequence: synonymous variant.
Genome position (GRCh38, 1-based): chr20:33,443,411, C>G on the plus strand (G>C on the coding strand, the complement: SNTA1 is on the minus strand). VCF-style: chr20-33443411-C-G. GRCh37 (hg19) VCF-style: chr20-32031217-C-G.
Identifiers: ClinVar variation 378629 (VCV000378629.46), dbSNP rs751651742, ClinGen allele CA9817268.

ClinVar aggregate classification (germline): Conflicting classifications of pathogenicity. Review status: criteria provided, conflicting classifications (1 of 4 stars). 6 submissions from 6 submitters: Uncertain significance (1); Likely benign (5). Last evaluated 2026-01-10.

Conditions:
Cardiovascular phenotype. Identifiers: MedGen CN230736.
Long QT syndrome 12 (LQT12). Identifiers: Orphanet 101016, Orphanet 768, MedGen C2751830, MONDO:0013062, OMIM 612955.
Long QT syndrome (LQTS). Identifiers: MedGen C0023976, MeSH D008133, MONDO:0002442. Disease mechanism: loss of function. Inheritance: Various modes of inheritance.

Allele frequency attached by ClinVar (database versions not stated): ExAC below 0.00001; TOPMed 0.00022; gnomAD 0.00039; gnomAD exomes 0.00066.
gnomAD v4.1: 277 of 1,340,884 alleles (0.021%); highest among the groups gnomAD compares: Non-Finnish European, 0.021%; no homozygotes.

Submissions (6):

Labcorp Genetics (formerly Invitae), Labcorp
Classification: Likely benign for Long QT syndrome. Last evaluated: 2026-01-10. Review status: criteria provided, single submitter. Criteria: Invitae Variant Classification Sherloc (09022015). Collection method: clinical testing. Allele origin: germline.

Women's Health and Genetics/Laboratory Corporation of America, LabCorp
Classification: Likely benign. Last evaluated: 2025-07-03. Review status: criteria provided, single submitter. Criteria: LabCorp Variant Classification Summary - May 2015. Collection method: clinical testing. Allele origin: germline.

CeGaT Center for Human Genetics Tuebingen
Classification: Likely benign. Last evaluated: 2023-04-01. Review status: criteria provided, single submitter. Criteria: CeGaT Center For Human Genetics Tuebingen Variant Classification Criteria Version 2. Collection method: clinical testing. Allele origin: germline. Affected: yes. Observed: 1 variant allele.
Comment: SNTA1: BP4, BP7

GeneDx
Classification: Likely benign. Last evaluated: 2018-11-27. Review status: criteria provided, single submitter. Criteria: GeneDx Variant Classification Process June 2021. Collection method: clinical testing. Allele origin: germline. Affected: yes.

Illumina Laboratory Services, Illumina
Classification: Uncertain significance for Long QT syndrome 12. Last evaluated: 2018-01-12. Review status: criteria provided, single submitter. Criteria: ICSL Variant Classification Criteria 13 December 2019. Collection method: clinical testing. Allele origin: germline.

Ambry Genetics
Classification: Likely benign for Cardiovascular phenotype. Last evaluated: 2016-10-20. Review status: criteria provided, single submitter. Criteria: Ambry Variant Classification Scheme 2023. Collection method: clinical testing. Allele origin: germline.